The following is an entry in ClinVar:

NM_021096.4(CACNA1I):c.3392G>T (p.Arg1131Leu)

Gene: CACNA1I (calcium voltage-gated channel subunit alpha1 I; plus strand). Cytogenetic location: 22q13.1.
Variant type: single nucleotide variant.
Coding change: c.3392G>T on transcript NM_021096.4 (MANE Select); coding-DNA position 3392, G replaced by T.
Protein change: p.Arg1131Leu; replaces arginine 1131 with leucine.
Molecular consequence: missense variant.
Genome position (GRCh38, 1-based): chr22:39,662,795, G>T. VCF-style: chr22-39662795-G-T. GRCh37 (hg19) VCF-style: chr22-40058800-G-T.
Other names: c.3287G>T, p.Arg1096Leu (NM_001003406.2); short protein forms R1131L, R1096L.
Identifiers: ClinVar variation 2536612 (VCV002536612.25), dbSNP rs373551286, ClinGen allele CA10244391.

ClinVar aggregate classification (germline): Uncertain significance. Review status: criteria provided, multiple submitters, no conflicts (2 of 4 stars). 3 submissions from 3 submitters: Uncertain significance (3). Last evaluated 2024-05-02.

Conditions:
Neurodevelopmental disorder with speech impairment and with or without seizures. Also called: Neurodevelopmental disorder with variable intellectual disability and speech impairment, with or without seizures. Identifiers: MedGen C5774252, MONDO:0859313, OMIM 620114.

Allele frequency attached by ClinVar (database versions not stated): gnomAD exomes below 0.00001; ESP Exome Variant Server 0.00015; TOPMed 0.00015.
gnomAD v4.1: 20 of 1,593,992 alleles (0.0013%); highest among the groups gnomAD compares: African/African-American, 0.0013%; no homozygotes.

Submissions (3):

Institute of Immunology and Genetics Kaiserslautern
Classification: Uncertain significance for Neurodevelopmental disorder with speech impairment and with or without seizures. Last evaluated: 2024-05-02. Review status: criteria provided, single submitter. Criteria: ACMG Guidelines, 2015. Collection method: clinical testing. Allele origin: germline. Affected: yes.
Comment: ACMG Criteria: PM2, PP3; Variant was found in heterozygous state

CeGaT Center for Human Genetics Tuebingen
Classification: Uncertain significance. Last evaluated: 2023-11-01. Review status: criteria provided, single submitter. Criteria: CeGaT Center For Human Genetics Tuebingen Variant Classification Criteria Version 2. Collection method: clinical testing. Allele origin: germline. Affected: yes. Observed: 1 variant allele.

Ambry Genetics
Classification: Uncertain significance. Last evaluated: 2023-04-13. Review status: criteria provided, single submitter. Criteria: Ambry Variant Classification Scheme 2023. Collection method: clinical testing. Allele origin: germline.